The following is an entry in ClinVar:

NM_003924.4(PHOX2B):c.605C>T (p.Pro202Leu)

Gene: PHOX2B (paired like homeobox 2B; minus strand). Cytogenetic location: 4p13.
Variant type: single nucleotide variant.
Coding change: c.605C>T on transcript NM_003924.4 (MANE Select); coding-DNA position 605, C replaced by T.
Protein change: p.Pro202Leu; replaces proline 202 with leucine.
Molecular consequence: missense variant.
Genome position (GRCh38, 1-based): chr4:41,746,147, G>A on the plus strand (C>T on the coding strand, the complement: PHOX2B is on the minus strand). VCF-style: chr4-41746147-G-A. GRCh37 (hg19) VCF-style: chr4-41748164-G-A.
Other names: short protein forms P202L.
Identifiers: ClinVar variation 1959320 (VCV001959320.5), dbSNP rs752633393, ClinGen allele CA2901477.

ClinVar aggregate classification (germline): Uncertain significance (1 of 4 stars; one submission).

Conditions:
Haddad syndrome (OHD). Also called: Ondine-Hirschsprung disease. Identifiers: Orphanet 99803, MedGen C1859049, MONDO:0020493.

gnomAD v4.1: 1 of 1,611,248 alleles (0.000062%); no homozygotes.

Submission:

Labcorp Genetics (formerly Invitae), Labcorp
Classification: Uncertain significance for Haddad syndrome. Last evaluated: 2022-09-18. Review status: criteria provided, single submitter. Criteria: Invitae Variant Classification Sherloc (09022015). Collection method: clinical testing. Allele origin: germline.
Comment: This sequence change replaces proline, which is neutral and non-polar, with leucine, which is neutral and non-polar, at codon 202 of the PHOX2B protein (p.Pro202Leu). This variant is present in population databases (rs752633393, gnomAD 0.0009%). In summary, the available evidence is currently insufficient to determine the role of this variant in disease. Therefore, it has been classified as a Variant of Uncertain Significance. Advanced modeling of protein sequence and biophysical properties (such as structural, functional, and spatial information, amino acid conservation, physicochemical variation, residue mobility, and thermodynamic stability) performed at Invitae indicates that this missense variant is not expected to disrupt PHOX2B protein function. This variant has not been reported in the literature in individuals affected with PHOX2B-related conditions.